The following is an entry in ClinVar:

NM_181882.3(PRX):c.598G>C (p.Glu200Gln)

Gene: PRX (periaxin; minus strand). Cytogenetic location: 19q13.2.
Variant type: single nucleotide variant.
Coding change: c.598G>C on transcript NM_181882.3 (MANE Select); coding-DNA position 598, G replaced by C.
Protein change: p.Glu200Gln; replaces glutamic acid 200 with glutamine.
Molecular consequence: missense variant. On other transcripts: 3 prime UTR variant (1).
Genome position (GRCh38, 1-based): chr19:40,397,754, C>G on the plus strand (G>C on the coding strand, the complement: PRX is on the minus strand). VCF-style: chr19-40397754-C-G. GRCh37 (hg19) VCF-style: chr19-40903661-C-G.
Other names: c.*803G>C (NM_020956.2); short protein forms E200Q.
Identifiers: ClinVar variation 1361433 (VCV001361433.6), dbSNP rs767207935, ClinGen allele CA405900056.

ClinVar aggregate classification (germline): Uncertain significance (1 of 4 stars; one submission).

Conditions:
Charcot-Marie-Tooth disease type 4. Also called: Charcot-Marie-Tooth disease, type IV; Charcot-Marie-Tooth, Type 4. Identifiers: Orphanet 64749, MedGen C4082197, MONDO:0018995.

gnomAD v4.1: 1 of 1,565,046 alleles (0.000064%); no homozygotes.

Submission:

Labcorp Genetics (formerly Invitae), Labcorp
Classification: Uncertain significance for Charcot-Marie-Tooth disease type 4. Last evaluated: 2021-10-23. Review status: criteria provided, single submitter. Criteria: Invitae Variant Classification Sherloc (09022015). Collection method: clinical testing. Allele origin: germline.
Comment: This sequence change replaces glutamic acid with glutamine at codon 200 of the PRX protein (p.Glu200Gln). The glutamic acid residue is moderately conserved and there is a small physicochemical difference between glutamic acid and glutamine. The frequency data for this variant in the population databases is considered unreliable, as metrics indicate insufficient coverage at this position in the ExAC database. This variant has not been reported in the literature in individuals affected with PRX-related conditions. Algorithms developed to predict the effect of missense changes on protein structure and function output the following: SIFT: "Tolerated"; PolyPhen-2: "Possibly Damaging"; Align-GVGD: "Class C0". The glutamine amino acid residue is found in multiple mammalian species, which suggests that this missense change does not adversely affect protein function. In summary, the available evidence is currently insufficient to determine the role of this variant in disease. Therefore, it has been classified as a Variant of Uncertain Significance.